The following is an entry in ClinVar:

ClinVar aggregate classification (germline): Uncertain significance (1 of 4 stars; one submission).

Submission:

GeneDx
Classification: Uncertain significance. Last evaluated: 2024-01-03. Review status: criteria provided, single submitter. Criteria: GeneDx Variant Classification Process June 2021. Collection method: clinical testing. Allele origin: germline. Affected: yes.
Comment: Not observed at significant frequency in large population cohorts (gnomAD); In silico analysis supports that this missense variant has a deleterious effect on protein structure/function; Has not been previously published as pathogenic or benign to our knowledge

NM_000193.4(SHH):c.1361C>A (p.Pro454Gln)

Gene: SHH (sonic hedgehog signaling molecule; minus strand). Cytogenetic location: 7q36.3.
Variant type: single nucleotide variant.
Coding change: c.1361C>A on transcript NM_000193.4 (MANE Select); coding-DNA position 1361, C replaced by A.
Protein change: p.Pro454Gln; replaces proline 454 with glutamine.
Molecular consequence: missense variant. On other transcripts: intron variant (1).
Genome position (GRCh38, 1-based): chr7:155,802,928, G>T on the plus strand (C>A on the coding strand, the complement: SHH is on the minus strand). VCF-style: chr7-155802928-G-T. GRCh37 (hg19) VCF-style: chr7-155595622-G-T.
Other names: c.302-2683C>A (NM_001310462.2); short protein forms P454Q.
Identifiers: ClinVar variation 3370006 (VCV003370006.1).